The following is an entry in ClinVar:

NM_004370.6(COL12A1):c.553A>T (p.Ser185Cys)

Gene: COL12A1 (collagen type XII alpha 1 chain; minus strand). Cytogenetic location: 6q13.
Variant type: single nucleotide variant.
Coding change: c.553A>T on transcript NM_004370.6 (MANE Select); coding-DNA position 553, A replaced by T.
Protein change: p.Ser185Cys; replaces serine 185 with cysteine.
Molecular consequence: missense variant. On other transcripts: intron variant (1).
Genome position (GRCh38, 1-based): chr6:75,189,657, T>A on the plus strand (A>T on the coding strand, the complement: COL12A1 is on the minus strand). VCF-style: chr6-75189657-T-A. GRCh37 (hg19) VCF-style: chr6-75899373-T-A.
Other names: c.73+13063A>T (NM_080645.3); short protein forms S185C.
Identifiers: ClinVar variation 847827 (VCV000847827.10), dbSNP rs1769823295, ClinGen allele CA364729024.

ClinVar aggregate classification (germline): Uncertain significance (1 of 4 stars; one submission).

Conditions:
Ullrich congenital muscular dystrophy 2 (UCMD2). Identifiers: Orphanet 75840, MedGen C4225314, MONDO:0014654, OMIM 616470.
Bethlem myopathy 2 (BTHLM2). Identifiers: Orphanet 536516, Orphanet 610, MedGen C4225313, MONDO:0034022, OMIM 616471.

gnomAD v4.1: 1 of 1,613,434 alleles (0.000062%); no homozygotes.

Submission:

Labcorp Genetics (formerly Invitae), Labcorp
Classification: Uncertain significance for Bethlem myopathy 2; Ullrich congenital muscular dystrophy 2. Last evaluated: 2019-01-29. Review status: criteria provided, single submitter. Criteria: Invitae Variant Classification Sherloc (09022015). Collection method: clinical testing. Allele origin: germline.
Comment: Algorithms developed to predict the effect of missense changes on protein structure and function are either unavailable or do not agree on the potential impact of this missense change (SIFT: "Deleterious"; PolyPhen-2: "Probably Damaging"; Align-GVGD: "Class C0"). This sequence change replaces serine with cysteine at codon 185 of the COL12A1 protein (p.Ser185Cys). The serine residue is moderately conserved and there is a moderate physicochemical difference between serine and cysteine. This variant is not present in population databases (ExAC no frequency). This variant has not been reported in the literature in individuals with COL12A1-related conditions. In summary, the available evidence is currently insufficient to determine the role of this variant in disease. Therefore, it has been classified as a Variant of Uncertain Significance.